The following is an entry in ClinVar:

NM_000455.5(STK11):c.917A>G (p.His306Arg)

Gene: STK11 (serine/threonine kinase 11; plus strand). Cytogenetic location: 19p13.3.
Variant type: single nucleotide variant.
Coding change: c.917A>G on transcript NM_000455.5 (MANE Select); coding-DNA position 917, A replaced by G.
Protein change: p.His306Arg; replaces histidine 306 with arginine.
Molecular consequence: missense variant.
Genome position (GRCh38, 1-based): chr19:1,222,003, A>G. VCF-style: chr19-1222003-A-G. GRCh37 (hg19) VCF-style: chr19-1222002-A-G.
Other names: short protein forms H306R.
Identifiers: ClinVar variation 1018941 (VCV001018941.8), dbSNP rs1363241574, ClinGen allele CA402951329.

ClinVar aggregate classification (germline): Uncertain significance (1 of 4 stars; one submission).

Conditions:
Peutz-Jeghers syndrome (PJS). Also called: Peutz-Jeghers polyposis; Periorificial lentiginosis syndrome; POLYPOSIS, HAMARTOMATOUS INTESTINAL; POLYPS-AND-SPOTS SYNDROME. Identifiers: Orphanet 2869, MedGen C0031269, MeSH D010580, MONDO:0008280, OMIM 175200.

gnomAD v4.1: 1 of 1,570,392 alleles (0.000064%); highest among the groups gnomAD compares: Non-Finnish European, 0.000086%; no homozygotes.

Submission:

Labcorp Genetics (formerly Invitae), Labcorp
Classification: Uncertain significance for Peutz-Jeghers syndrome. Last evaluated: 2020-05-03. Review status: criteria provided, single submitter. Criteria: Invitae Variant Classification Sherloc (09022015). Collection method: clinical testing. Allele origin: germline.
Comment: This variant is not present in population databases (ExAC no frequency). In summary, the available evidence is currently insufficient to determine the role of this variant in disease. Therefore, it has been classified as a Variant of Uncertain Significance. Algorithms developed to predict the effect of missense changes on protein structure and function are either unavailable or do not agree on the potential impact of this missense change (SIFT: "Deleterious"; PolyPhen-2: "Benign"; Align-GVGD: "Class C0"). This variant has not been reported in the literature in individuals with STK11-related conditions. This sequence change replaces histidine with arginine at codon 306 of the STK11 protein (p.His306Arg). The histidine residue is highly conserved and there is a small physicochemical difference between histidine and arginine.